The following is an entry in ClinVar:

NM_000337.6(SGCD):c.832G>T (p.Ala278Ser)

Gene: SGCD (sarcoglycan delta; plus strand). Cytogenetic location: 5q33.3.
Variant type: single nucleotide variant.
Coding change: c.832G>T on transcript NM_000337.6 (MANE Select); coding-DNA position 832, G replaced by T.
Protein change: p.Ala278Ser; replaces alanine 278 with serine.
Molecular consequence: missense variant.
Genome position (GRCh38, 1-based): chr5:156,759,349, G>T. VCF-style: chr5-156759349-G-T. GRCh37 (hg19) VCF-style: chr5-156186360-G-T.
Other names: c.829G>T, p.Ala277Ser (NM_001128209.2); short protein forms A278S, A277S.
Identifiers: ClinVar variation 648245 (VCV000648245.10), dbSNP rs753240054, ClinGen allele CA3530707.
Genomic context (GRCh38, chr5:156,759,349, plus strand): 5'-CAGAAGGTCTTCGAGATCTGCGTCTGCGCCAATGGGAGATTATTCCTGTCTCAGGCAGGA[G>T]CTGGGTCCACTTGTCAGATAAACACAAGTGTCTGCCTCTGAAAGACTATCCATAGTGGAC-3'
Protein context (NP_000328.2, residues 268-288): NGRLFLSQAG[Ala278Ser]GSTCQINTSV

ClinVar aggregate classification (germline): Uncertain significance. Review status: criteria provided, multiple submitters, no conflicts (2 of 4 stars). 4 submissions from 3 submitters: Uncertain significance (4). Last evaluated 2025-05-26.

Conditions:
Autosomal recessive limb-girdle muscular dystrophy type 2F (LGMDR6). Also called: Muscular dystrophy limb-girdle with delta-sarcoglyan deficiency; MUSCULAR DYSTROPHY, LIMB-GIRDLE, AUTOSOMAL RECESSIVE 6. Identifiers: Orphanet 219, MedGen C1832525, MONDO:0011028, OMIM 601287. Disease mechanism: Affects gamma-sarcoglycan and also disrupts the integrity of the entire sarcoglycan complex..
Dilated cardiomyopathy 1L (CMD1L). Identifiers: Orphanet 154, MedGen C1847667, MONDO:0011702, OMIM 606685.
Inborn genetic diseases. Identifiers: MedGen C0950123, MeSH D030342.

Allele frequency attached by ClinVar (database versions not stated): TOPMed 0.00002.
gnomAD v4.1: 10 of 1,612,198 alleles (0.00062%); highest among the groups gnomAD compares: Non-Finnish European, 0.00085%; no homozygotes.

Submissions (4):

Ambry Genetics
Classification: Uncertain significance for Inborn genetic diseases. Last evaluated: 2025-05-26. Review status: criteria provided, single submitter. Criteria: Ambry Variant Classification Scheme 2023. Collection method: clinical testing. Allele origin: germline.
Comment: The p.A278S variant (also known as c.832G>T), located in coding exon 8 of the SGCD gene, results from a G to T substitution at nucleotide position 832. The alanine at codon 278 is replaced by serine, an amino acid with similar properties. This amino acid position is conserved. In addition, this alteration is predicted to be tolerated by in silico analysis. Based on the available evidence, the clinical significance of this variant remains unclear.

Genome-Nilou Lab
Classification: Uncertain significance for Autosomal recessive limb-girdle muscular dystrophy type 2F. Last evaluated: 2023-02-08. Review status: criteria provided, single submitter. Criteria: ACMG Guidelines, 2015. Collection method: clinical testing. Allele origin: germline.

Genome-Nilou Lab
Classification: Uncertain significance for Dilated cardiomyopathy 1L. Last evaluated: 2023-02-08. Review status: criteria provided, single submitter. Criteria: ACMG Guidelines, 2015. Collection method: clinical testing. Allele origin: germline.

Labcorp Genetics (formerly Invitae), Labcorp
Classification: Uncertain significance for Autosomal recessive limb-girdle muscular dystrophy type 2F. Last evaluated: 2022-03-09. Review status: criteria provided, single submitter. Criteria: Invitae Variant Classification Sherloc (09022015). Collection method: clinical testing. Allele origin: germline.
Comment: This sequence change replaces alanine, which is neutral and non-polar, with serine, which is neutral and polar, at codon 278 of the SGCD protein (p.Ala278Ser). This variant is present in population databases (rs753240054, gnomAD 0.004%). This variant has not been reported in the literature in individuals affected with SGCD-related conditions. ClinVar contains an entry for this variant (Variation ID: 648245). Algorithms developed to predict the effect of missense changes on protein structure and function output the following: SIFT: "Tolerated"; PolyPhen-2: "Benign"; Align-GVGD: "Class C0". The serine amino acid residue is found in multiple mammalian species, which suggests that this missense change does not adversely affect protein function. In summary, the available evidence is currently insufficient to determine the role of this variant in disease. Therefore, it has been classified as a Variant of Uncertain Significance.